The following is an entry in ClinVar:

ClinVar aggregate classification (germline): Uncertain significance (1 of 4 stars; one submission).

Conditions:
Immunodeficiency. Identifiers: MedGen C0021051, MONDO:0021094, HP:0002721.

gnomAD v4.1: 1 of 1,613,238 alleles (0.000062%); no homozygotes.

Submission:

Labcorp Genetics (formerly Invitae), Labcorp
Classification: Uncertain significance for Immunodeficiency. Last evaluated: 2025-03-22. Review status: criteria provided, single submitter. Criteria: Invitae Variant Classification Sherloc (09022015). Collection method: clinical testing. Allele origin: germline.
Comment: This sequence change replaces glutamic acid, which is acidic and polar, with alanine, which is neutral and non-polar, at codon 384 of the NFAT5 protein (p.Glu384Ala). This variant is not present in population databases (gnomAD no frequency). This variant has not been reported in the literature in individuals affected with NFAT5-related conditions. ClinVar contains an entry for this variant (Variation ID: 3020232). An algorithm developed to predict the effect of missense changes on protein structure and function (PolyPhen-2) suggests that this variant is likely to be disruptive. In summary, the available evidence is currently insufficient to determine the role of this variant in disease. Therefore, it has been classified as a Variant of Uncertain Significance.

NM_138713.4(NFAT5):c.1433A>C (p.Glu478Ala)

Gene: NFAT5 (nuclear factor of activated T cells 5; plus strand). Cytogenetic location: 16q22.1.
Variant type: single nucleotide variant.
Coding change: c.1433A>C on transcript NM_138713.4 (MANE Select); coding-DNA position 1433, A replaced by C.
Protein change: p.Glu478Ala; replaces glutamic acid 478 with alanine.
Molecular consequence: missense variant.
Genome position (GRCh38, 1-based): chr16:69,670,040, A>C. VCF-style: chr16-69670040-A-C. GRCh37 (hg19) VCF-style: chr16-69703943-A-C.
Other names: c.1433A>C, p.Glu478Ala (NM_001113178.3); c.761A>C, p.Glu254Ala (NM_001367709.1); c.1379A>C, p.Glu460Ala (NM_006599.4); c.1151A>C, p.Glu384Ala (NM_138714.4, NM_173214.3, NM_173215.3); short protein forms E254A, E384A, E460A, E478A.
Identifiers: ClinVar variation 3020232 (VCV003020232.3), dbSNP rs929724422, ClinGen allele CA283360762.